The following is an entry in ClinVar:

ClinVar aggregate classification (germline): Likely pathogenic (1 of 4 stars; one submission).

Conditions:
Marfan syndrome (MFS). Also called: MARFAN SYNDROME, TYPE I; Marfan syndrome type 1; Marfan's syndrome; Marfan syndrome, classic; FBN1-Related Marfan Syndrome. Identifiers: Orphanet 284963, Orphanet 558, MedGen C0024796, MONDO:0007947, OMIM 154700.
Familial thoracic aortic aneurysm and aortic dissection (TAAD). Also called: Thoracic aortic aneurysms and dissections. Identifiers: Orphanet 91387, MedGen C4707243, MONDO:0019625.

Submission:

Labcorp Genetics (formerly Invitae), Labcorp
Classification: Likely pathogenic for Marfan syndrome; Familial thoracic aortic aneurysm and aortic dissection. Last evaluated: 2023-12-12. Review status: criteria provided, single submitter. Criteria: Invitae Variant Classification Sherloc (09022015). Collection method: clinical testing. Allele origin: germline.
Comment: This sequence change replaces cysteine, which is neutral and slightly polar, with tryptophan, which is neutral and slightly polar, at codon 1984 of the FBN1 protein (p.Cys1984Trp). This variant is not present in population databases (gnomAD no frequency). This variant has not been reported in the literature in individuals affected with FBN1-related conditions. Advanced modeling of protein sequence and biophysical properties (such as structural, functional, and spatial information, amino acid conservation, physicochemical variation, residue mobility, and thermodynamic stability) performed at Invitae indicates that this missense variant is expected to disrupt FBN1 protein function with a positive predictive value of 95%. This variant affects a cysteine residue in the EGF-like, TGFBP or hybrid motif domains of FBN1. Cysteine residues are believed to be involved in intramolecular disulfide bridges and have been shown to be important for FBN1 protein structure (PMID: 16905551, 19349279). In addition, missense substitutions affecting cysteine residues within these domains are significantly overrepresented among patients with Marfan syndrome (PMID: 16571647, 17701892). This variant disrupts the p.Cys1984 amino acid residue in FBN1. Other variant(s) that disrupt this residue have been observed in individuals with FBN1-related conditions (PMID: 21542060; Invitae), which suggests that this may be a clinically significant amino acid residue. In summary, the currently available evidence indicates that the variant is pathogenic, but additional data are needed to prove that conclusively. Therefore, this variant has been classified as Likely Pathogenic.

Literature cited by the submitters: PubMed 16905551; PubMed 19349279; PubMed 16571647; PubMed 17701892; PubMed 21542060.

NM_000138.5(FBN1):c.5952T>G (p.Cys1984Trp)

Gene: FBN1 (fibrillin 1; minus strand). Cytogenetic location: 15q21.1.
Variant type: single nucleotide variant.
Coding change: c.5952T>G on transcript NM_000138.5 (MANE Select); coding-DNA position 5952, T replaced by G.
Protein change: p.Cys1984Trp; replaces cysteine 1984 with tryptophan.
Molecular consequence: missense variant.
Genome position (GRCh38, 1-based): chr15:48,444,626, A>C on the plus strand (T>G on the coding strand, the complement: FBN1 is on the minus strand). VCF-style: chr15-48444626-A-C. GRCh37 (hg19) VCF-style: chr15-48736823-A-C.
Other names: c.5952T>G, p.Cys1984Trp (NM_001406716.1); short protein forms C1984W.
Identifiers: ClinVar variation 2921357 (VCV002921357.3), dbSNP rs2505452160, ClinGen allele CA392339828.